The following is an entry in ClinVar:

ClinVar aggregate classification (germline): Uncertain significance. Review status: criteria provided, multiple submitters, no conflicts (2 of 4 stars). 2 submissions from 2 submitters: Uncertain significance (2). Last evaluated 2025-02-08.

Conditions:
Hereditary cancer-predisposing syndrome. Also called: Neoplastic Syndromes, Hereditary; Tumor predisposition; Hereditary neoplastic syndrome; Hereditary Cancer Syndrome. Identifiers: Orphanet 140162, MedGen C0027672, MeSH D009386, MONDO:0015356.

Allele frequency attached by ClinVar (database versions not stated): gnomAD exomes below 0.00001; gnomAD 0.00001; TOPMed 0.00001.
gnomAD v4.1: 7 of 1,613,930 alleles (0.00043%); highest among the groups gnomAD compares: Non-Finnish European, 0.00059%; no homozygotes.

Submissions (2):

Ambry Genetics
Classification: Uncertain significance for Hereditary cancer-predisposing syndrome. Last evaluated: 2025-02-08. Review status: criteria provided, single submitter. Criteria: Ambry Variant Classification Scheme 2023. Collection method: clinical testing. Allele origin: germline.
Comment: The p.G433S variant (also known as c.1297G>A), located in coding exon 13 of the POLE gene, results from a G to A substitution at nucleotide position 1297. The glycine at codon 433 is replaced by serine, an amino acid with similar properties. This amino acid position is highly conserved in available vertebrate species. In addition, the in silico prediction for this alteration is inconclusive. Based on the available evidence, the clinical significance of this variant remains unclear.

Labcorp Genetics (formerly Invitae), Labcorp
Classification: Uncertain significance. Last evaluated: 2024-09-25. Review status: criteria provided, single submitter. Criteria: Invitae Variant Classification Sherloc (09022015). Collection method: clinical testing. Allele origin: germline.
Comment: This sequence change replaces glycine, which is neutral and non-polar, with serine, which is neutral and polar, at codon 433 of the POLE protein (p.Gly433Ser). This variant is present in population databases (no rsID available, gnomAD 0.0009%). This variant has not been reported in the literature in individuals affected with POLE-related conditions. ClinVar contains an entry for this variant (Variation ID: 566289). Invitae Evidence Modeling of protein sequence and biophysical properties (such as structural, functional, and spatial information, amino acid conservation, physicochemical variation, residue mobility, and thermodynamic stability) indicates that this missense variant is not expected to disrupt POLE protein function with a negative predictive value of 80%. In summary, the available evidence is currently insufficient to determine the role of this variant in disease. Therefore, it has been classified as a Variant of Uncertain Significance.

NM_006231.4(POLE):c.1297G>A (p.Gly433Ser)

Gene: POLE (DNA polymerase epsilon, catalytic subunit; minus strand). Cytogenetic location: 12q24.33.
Variant type: single nucleotide variant.
Coding change: c.1297G>A on transcript NM_006231.4 (MANE Select); coding-DNA position 1297, G replaced by A.
Protein change: p.Gly433Ser; replaces glycine 433 with serine.
Molecular consequence: missense variant.
Genome position (GRCh38, 1-based): chr12:132,673,637, C>T on the plus strand (G>A on the coding strand, the complement: POLE is on the minus strand). VCF-style: chr12-132673637-C-T. GRCh37 (hg19) VCF-style: chr12-133250223-C-T.
Other names: short protein forms G433S.
Identifiers: ClinVar variation 566289 (VCV000566289.15), dbSNP rs1190891892, ClinGen allele CA387359419.